The following is an entry in ClinVar:

ClinVar aggregate classification (germline): Uncertain significance (1 of 4 stars; one submission).

Conditions:
Cardiovascular phenotype. Identifiers: MedGen CN230736.

Submission:

Ambry Genetics
Classification: Uncertain significance for Cardiovascular phenotype. Last evaluated: 2024-06-23. Review status: criteria provided, single submitter. Criteria: Ambry Variant Classification Scheme 2023. Collection method: clinical testing. Allele origin: germline.
Comment: The p.M1288L variant (also known as c.3862A>T), located in coding exon 13 of the AKAP9 gene, results from an A to T substitution at nucleotide position 3862. The methionine at codon 1288 is replaced by leucine, an amino acid with highly similar properties. This amino acid position is conserved. In addition, this alteration is predicted to be tolerated by in silico analysis. Based on the available evidence, the clinical significance of this variant remains unclear.

NM_005751.5(AKAP9):c.3862A>T (p.Met1288Leu)

Gene: AKAP9 (A-kinase anchoring protein 9; plus strand). Cytogenetic location: 7q21.2.
Variant type: single nucleotide variant.
Coding change: c.3862A>T on transcript NM_005751.5 (MANE Select); coding-DNA position 3862, A replaced by T.
Protein change: p.Met1288Leu; replaces methionine 1288 with leucine.
Molecular consequence: missense variant.
Genome position (GRCh38, 1-based): chr7:92,022,262, A>T. VCF-style: chr7-92022262-A-T. GRCh37 (hg19) VCF-style: chr7-91651576-A-T.
Other names: c.3862A>T, p.Met1288Leu (NM_147185.3); short protein forms M1288L.
Identifiers: ClinVar variation 3282251 (VCV003282251.1).
Genomic context (GRCh38, chr7:92,022,262, plus strand): 5'-TTTATGTTACTGCTTTTATTCTGTGGTTTTCAATAGATCTGGGGACAGCAGACAGATGGT[A>T]TGAAACTTGAATTTGGAGAAGAAAACCTTCCAAAAGAGGAAACAGAGTTTTTATCAATCC-3'
Protein context (NP_005742.4, residues 1278-1298): SKIWGQQTDG[Met1288Leu]KLEFGEENLP